The following is an entry in ClinVar:

ClinVar aggregate classification (germline): Uncertain significance (1 of 4 stars; one submission).

Conditions:
Infantile neuroaxonal dystrophy (NBIA2A). Also called: NEURODEGENERATION WITH BRAIN IRON ACCUMULATION 2A; SEITELBERGER DISEASE; Infantile neuroaxonal dystrophy 1. Identifiers: Orphanet 35069, MedGen C0270724, MONDO:0024457, OMIM 256600.

Submission:

Labcorp Genetics (formerly Invitae), Labcorp
Classification: Uncertain significance for Infantile neuroaxonal dystrophy. Last evaluated: 2022-06-20. Review status: criteria provided, single submitter. Criteria: Invitae Variant Classification Sherloc (09022015). Collection method: clinical testing. Allele origin: germline.
Comment: Advanced modeling of protein sequence and biophysical properties (such as structural, functional, and spatial information, amino acid conservation, physicochemical variation, residue mobility, and thermodynamic stability) performed at Invitae indicates that this missense variant is not expected to disrupt PLA2G6 protein function. In summary, the available evidence is currently insufficient to determine the role of this variant in disease. Therefore, it has been classified as a Variant of Uncertain Significance. This variant is not present in population databases (gnomAD no frequency). This sequence change replaces proline, which is neutral and non-polar, with alanine, which is neutral and non-polar, at codon 379 of the PLA2G6 protein (p.Pro379Ala). This variant has not been reported in the literature in individuals affected with PLA2G6-related conditions.

NM_003560.4(PLA2G6):c.1135C>G (p.Pro379Ala)

Gene: PLA2G6 (phospholipase A2 group VI; minus strand). Cytogenetic location: 22q13.1.
Variant type: single nucleotide variant.
Coding change: c.1135C>G on transcript NM_003560.4 (MANE Select); coding-DNA position 1135, C replaced by G.
Protein change: p.Pro379Ala; replaces proline 379 with alanine.
Molecular consequence: missense variant.
Genome position (GRCh38, 1-based): chr22:38,129,505, G>C on the plus strand (C>G on the coding strand, the complement: PLA2G6 is on the minus strand). VCF-style: chr22-38129505-G-C. GRCh37 (hg19) VCF-style: chr22-38525512-G-C.
Other names: c.1135C>G, p.Pro379Ala (NM_001004426.3, NM_001199562.3, NM_001349864.2 and 2 more transcripts); c.601C>G, p.Pro201Ala (NM_001349867.2, NM_001349869.2); c.457C>G, p.Pro153Ala (NM_001349868.2); short protein forms P379A, P153A, P201A.
Identifiers: ClinVar variation 1485246 (VCV001485246.8), dbSNP rs2145753525, ClinGen allele CA411530469.